The following is an entry in ClinVar:

ClinVar aggregate classification (germline): Uncertain significance (1 of 4 stars; one submission).

Conditions:
Familial adenomatous polyposis 1 (FAP1). Also called: FAMILIAL ADENOMATOUS POLYPOSIS 1, ATTENUATED; POLYPOSIS, ADENOMATOUS INTESTINAL. Identifiers: MedGen C2713442, MONDO:0021056, OMIM 175100. Disease mechanism: loss of function.

Submission:

Labcorp Genetics (formerly Invitae), Labcorp
Classification: Uncertain significance for Familial adenomatous polyposis 1. Last evaluated: 2025-03-24. Review status: criteria provided, single submitter. Criteria: Invitae Variant Classification Sherloc (09022015). Collection method: clinical testing. Allele origin: germline.
Comment: This variant occurs in a non-coding region of the APC gene. It does not change the encoded amino acid sequence of the APC protein. This variant is not present in population databases (gnomAD no frequency). This variant has not been reported in the literature in individuals affected with APC-related conditions. Experimental studies and prediction algorithms are not available or were not evaluated, and the functional significance of this variant is currently unknown. In summary, the available evidence is currently insufficient to determine the role of this variant in disease. Therefore, it has been classified as a Variant of Uncertain Significance.

NM_001127511.3(APC):c.-82G>A

Gene: APC (APC regulator of Wnt signaling pathway; plus strand). Cytogenetic location: 5q22.2.
Variant type: single nucleotide variant.
Coding change: c.-82G>A on transcript NM_001127511.3; 82 bases upstream of the start codon, G replaced by A.
Molecular consequence: 5 prime UTR variant. On other transcripts: non-coding transcript variant (2).
Genome position (GRCh38, 1-based): chr5:112,707,636, G>A. VCF-style: chr5-112707636-G-A. GRCh37 (hg19) VCF-style: chr5-112043333-G-A.
Other names: c.-265G>A (NM_001354895.2, NM_001407447.1, NM_001407452.1 and 3 more transcripts); c.-82G>A (NM_001354897.2, NM_001354902.2, NM_001407446.1); c.-32G>A (NM_001407448.1, NM_001407450.1, NM_001407457.1 and 1 more transcripts); c.-56G>A (NM_001407453.1); c.-1300G>A (NM_001407470.1, NM_001407472.1).
Identifiers: ClinVar variation 1043448 (VCV001043448.9), dbSNP rs1750591561, ClinGen allele CA1573442571.